The following is an entry in ClinVar:

NM_001267550.2(TTN):c.104738C>T (p.Ser34913Phe)

Genes: TTN-AS1 (TTN antisense RNA 1; plus strand), TTN (titin; minus strand). Cytogenetic location: 2q31.2.
Variant type: single nucleotide variant.
Coding change: c.104738C>T on transcript NM_001267550.2 (MANE Select); coding-DNA position 104738, C replaced by T.
Protein change: p.Ser34913Phe; replaces serine 34913 with phenylalanine.
Molecular consequence: missense variant.
Genome position (GRCh38, 1-based): chr2:178,531,877, G>A on the plus strand (C>T on the coding strand, the complement: TTN is on the minus strand). VCF-style: chr2-178531877-G-A. GRCh37 (hg19) VCF-style: chr2-179396604-G-A.
Other names: c.99815C>T, p.Ser33272Phe (NM_001256850.1); c.77543C>T, p.Ser25848Phe (NM_003319.4); c.97034C>T, p.Ser32345Phe (NM_133378.4); c.77918C>T, p.Ser25973Phe (NM_133432.3); c.78119C>T, p.Ser26040Phe (NM_133437.4); short protein forms S25973F, S26040F, S34913F, S25848F, S32345F, S33272F.
Identifiers: ClinVar variation 1469823 (VCV001469823.6), dbSNP rs2154133838, ClinGen allele CA349411032.

ClinVar aggregate classification (germline): Uncertain significance (1 of 4 stars; one submission).

Conditions:
Dilated cardiomyopathy 1G (CMD1G). Identifiers: Orphanet 154, MedGen C1858763, MONDO:0011400, OMIM 604145.
Autosomal recessive limb-girdle muscular dystrophy type 2J (LGMDR10). Also called: Limb-girdle muscular dystrophy, type 2J; MUSCULAR DYSTROPHY, LIMB-GIRDLE, AUTOSOMAL RECESSIVE 10. Identifiers: Orphanet 140922, MedGen C1837342, MONDO:0012127, OMIM 608807.

Submission:

Labcorp Genetics (formerly Invitae), Labcorp
Classification: Uncertain significance for Dilated cardiomyopathy 1G; Autosomal recessive limb-girdle muscular dystrophy type 2J. Last evaluated: 2021-12-01. Review status: criteria provided, single submitter. Criteria: Invitae Variant Classification Sherloc (09022015). Collection method: clinical testing. Allele origin: germline.
Comment: In summary, the available evidence is currently insufficient to determine the role of this variant in disease. Therefore, it has been classified as a Variant of Uncertain Significance. This variant is located in the M band of TTN (PMID: 25589632). Variants in this region may be relevant for neuromuscular disorders, but have not been definitively shown to cause cardiomyopathy (PMID: 23975875). Experimental studies and prediction algorithms are not available or were not evaluated, and the functional significance of this variant is currently unknown. This variant has not been reported in the literature in individuals affected with TTN-related conditions. This variant is not present in population databases (gnomAD no frequency). This sequence change replaces serine, which is neutral and polar, with phenylalanine, which is neutral and non-polar, at codon 34913 of the TTN protein (p.Ser34913Phe).

Literature cited by the submitters: PubMed 25589632; PubMed 23975875.